The following is an entry in ClinVar:

NM_001382637.1(OTUD7A):c.893+1del

Gene: OTUD7A (OTU deubiquitinase 7A; minus strand). Cytogenetic location: 15q13.3.
Variant type: Deletion.
Coding change: c.893+1del on transcript NM_001382637.1 (MANE Select); the canonical splice donor site of the intron after coding-DNA position 893, one base deleted (G; older notation c.893+1delG).
Molecular consequence: splice donor variant.
Genome position (GRCh38, 1-based): chr15:31,526,348, C deleted on the plus strand (G on the coding strand, the reverse complement: OTUD7A is on the minus strand); the first of 6 consecutive C bases (chr15:31,526,348-31,526,353); deleting any one gives the same sequence. VCF-style (leftmost placement, unchanged base first): chr15-31526347-AC-A. GRCh37 (hg19) VCF-style: chr15-31818550-AC-A.
Other names: c.872+1del (NM_130901.3); c.893+1del (NM_001329907.2).
Identifiers: ClinVar variation 2692529 (VCV002692529.1), dbSNP rs1428047310, ClinGen allele CA617291023.
Genomic context (GRCh38, chr15:31,526,347, plus strand): 5'-GTGTAGCCCTGGGTGGCCTGGAGCTGGAGGTGACTTCTGGGGAGAGCAGGGGCAGCACTT[AC>A]CCCCCGCCCGTGCCGCCATTCTTGCTGAAGTGTGTGCGCGGCTCGCTGGAGGCCAGCTTC-3'

ClinVar aggregate classification (germline): Likely pathogenic (1 of 4 stars; one submission).

Conditions:
Neurodevelopmental disorder. Identifiers: MedGen C1535926, MeSH D065886, MONDO:0700092.

Submission:

Greenwood Genetic Center Diagnostic Laboratories, Greenwood Genetic Center
Classification: Likely pathogenic for Neurodevelopmental disorder. Last evaluated: 2023-12-28. Review status: criteria provided, single submitter. Criteria: ACMG Guidelines, 2015. Collection method: clinical testing. Allele origin: germline. Affected: yes.
Comment: PM2, PP3_Strong